The following is an entry in ClinVar:

ClinVar aggregate classification (germline): Likely benign. Review status: criteria provided, multiple submitters, no conflicts (2 of 4 stars). 2 submissions from 2 submitters: Likely benign (2). Last evaluated 2026-09-01.

Allele frequency attached by ClinVar (database versions not stated): 1000 Genomes Project 0.00080; 1000 Genomes Project 30x 0.00094; gnomAD 0.00111; ESP Exome Variant Server 0.00123; ExAC 0.00124; gnomAD exomes 0.00144; TOPMed 0.00144.
gnomAD v4.1: 2,251 of 1,610,204 alleles (0.14%); highest among the groups gnomAD compares: Admixed American, 0.19%; 3 homozygotes.

Submissions (2):

CeGaT Center for Human Genetics Tuebingen
Classification: Likely benign. Last evaluated: 2026-09-01. Review status: criteria provided, single submitter. Criteria: CeGaT Center For Human Genetics Tuebingen Variant Classification Criteria Version 2. Collection method: clinical testing. Allele origin: germline. Affected: yes. Observed: 9 variant alleles.
Comment: KMT2C: BP4, BP7, BS1

Blueprint Genetics
Classification: Likely benign. Last evaluated: 2024-11-26. Review status: criteria provided, single submitter. Criteria: ACMG Guidelines, 2015. Collection method: clinical testing. Allele origin: germline.

NM_170606.3(KMT2C):c.3384C>T (p.Asp1128=)

Gene: KMT2C (lysine methyltransferase 2C; minus strand). Cytogenetic location: 7q36.1.
Variant type: single nucleotide variant.
Coding change: c.3384C>T on transcript NM_170606.3 (MANE Select); coding-DNA position 3384, C replaced by T.
Protein change: p.Asp1128=; no amino-acid change (aspartic acid 1128 retained).
Molecular consequence: synonymous variant.
Genome position (GRCh38, 1-based): chr7:152,222,622, G>A on the plus strand (C>T on the coding strand, the complement: KMT2C is on the minus strand). VCF-style: chr7-152222622-G-A. GRCh37 (hg19) VCF-style: chr7-151919707-G-A.
Identifiers: ClinVar variation 2658231 (VCV002658231.25), dbSNP rs144068847, ClinGen allele CA4580850.
Genomic context (GRCh38, chr7:152,222,622, plus strand): 5'-TATTCTCTTACCATTAGACGCAGGCATATAGGGTCTGCACATGCTACAATCAAAACCAAT[G>A]TCTGCTACATTTTCCACTTCTTCCTCAGTATTTAAGTTCTGACAAACTGCATGCATCCAT-3'
Protein context (NP_733751.2, residues 1118-1138): NTEEEVENVA[Asp1128=]IGFDCSMCRP